The following is an entry in ClinVar:

NM_001354930.2(RIPK1):c.1151A>G (p.Tyr384Cys)

Gene: RIPK1 (receptor interacting serine/threonine kinase 1; plus strand). Cytogenetic location: 6p25.2.
Variant type: single nucleotide variant.
Coding change: c.1151A>G on transcript NM_001354930.2 (MANE Select); coding-DNA position 1151, A replaced by G.
Protein change: p.Tyr384Cys; replaces tyrosine 384 with cysteine.
Molecular consequence: missense variant.
Genome position (GRCh38, 1-based): chr6:3,105,626, A>G. VCF-style: chr6-3105626-A-G. GRCh37 (hg19) VCF-style: chr6-3105860-A-G.
Other names: c.662A>G, p.Tyr221Cys (NM_001317061.3, NM_001354932.2, NM_001354933.2 and 1 more transcripts); c.1013A>G, p.Tyr338Cys (NM_001354931.2); c.1151A>G, p.Tyr384Cys (NM_003804.6); short protein forms Y221C, Y338C, Y384C.
Identifiers: ClinVar variation 2122749 (VCV002122749.4), dbSNP rs761379969, ClinGen allele CA3618388.
Genomic context (GRCh38, chr6:3,105,626, plus strand): 5'-AGCACCCACAAGAAGAGAATGAGCCCAGCCTGCAGAGTAAACTCCAAGACGAAGCCAACT[A>G]CCATCTTTATGGCAGCCGCATGGACAGGCAGACGAAACAGCAGCCCAGACAGAATGTGGC-3'
Protein context (NP_001341859.1, residues 374-394): LQSKLQDEAN[Tyr384Cys]HLYGSRMDRQ

ClinVar aggregate classification (germline): Uncertain significance (1 of 4 stars; one submission).

Allele frequency attached by ClinVar (database versions not stated): gnomAD exomes below 0.00001; ExAC 0.00001.
gnomAD v4.1: 7 of 1,614,070 alleles (0.00043%); highest among the groups gnomAD compares: Non-Finnish European, 0.00059%; no homozygotes.

Submission:

Labcorp Genetics (formerly Invitae), Labcorp
Classification: Uncertain significance. Last evaluated: 2022-04-07. Review status: criteria provided, single submitter. Criteria: Invitae Variant Classification Sherloc (09022015). Collection method: clinical testing. Allele origin: germline.
Comment: In summary, the available evidence is currently insufficient to determine the role of this variant in disease. Therefore, it has been classified as a Variant of Uncertain Significance. This sequence change replaces tyrosine, which is neutral and polar, with cysteine, which is neutral and slightly polar, at codon 384 of the RIPK1 protein (p.Tyr384Cys). This variant is present in population databases (rs761379969, gnomAD 0.002%). Algorithms developed to predict the effect of missense changes on protein structure and function are either unavailable or do not agree on the potential impact of this missense change (SIFT: "Not Available"; PolyPhen-2: "Probably Damaging"; Align-GVGD: "Not Available"). This variant has not been reported in the literature in individuals affected with RIPK1-related conditions.